The following is an entry in ClinVar:

NM_152564.5(VPS13B):c.7429+4C>A

Gene: VPS13B (vacuolar protein sorting 13 homolog B; plus strand). Cytogenetic location: 8q22.2.
Variant type: single nucleotide variant.
Coding change: c.7429+4C>A on transcript NM_152564.5 (MANE Select); 4 bases into the intron after coding-DNA position 7429, C replaced by A.
Molecular consequence: intron variant.
Genome position (GRCh38, 1-based): chr8:99,776,960, C>A. VCF-style: chr8-99776960-C-A. GRCh37 (hg19) VCF-style: chr8-100789188-C-A.
Other names: c.7504+4C>A (NM_017890.3, NM_017890.5).
Identifiers: ClinVar variation 1035361 (VCV001035361.11), dbSNP rs757079639, ClinGen allele CA4824209.
Genomic context (GRCh38, chr8:99,776,960, plus strand): 5'-TCCAGTTTGCTCACCTGGAATTCCATCTTTGTCATCACCTTGACCAACTAGGCACAGGTA[C>A]TCTTTTTTTTAGCATCAGAATAACATCCATTTAATACTTACCATTTTCTCTTGAGTGTTT-3'

ClinVar aggregate classification (germline): Uncertain significance. Review status: criteria provided, multiple submitters, no conflicts (2 of 4 stars). 3 submissions from 3 submitters: Uncertain significance (2). 1 of the submissions does not count toward it. Last evaluated 2026-05-04.

Conditions:
Inborn genetic diseases. Identifiers: MedGen C0950123, MeSH D030342.
Cohen syndrome (COH1). Also called: Cutis verticis gyrata, retinitis pigmentosa, and sensorineural deafness; PEPPER SYNDROME. Identifiers: Orphanet 193, MedGen C0265223, MONDO:0008999, OMIM 216550.

Allele frequency attached by ClinVar (database versions not stated): gnomAD 0.00004 and 0.00003; TOPMed 0.00004; gnomAD exomes 0.00001; ExAC 0.00002.
gnomAD v4.1: 14 of 1,613,214 alleles (0.00087%); highest among the groups gnomAD compares: African/African-American, 0.017%; no homozygotes.

Submissions (3):

Ambry Genetics
Classification: Uncertain significance for Inborn genetic diseases. Last evaluated: 2026-05-04. Review status: criteria provided, single submitter. Criteria: Ambry Variant Classification Scheme 2023. Collection method: clinical testing. Allele origin: germline.
Comment: The c.7504+4C>A intronic alteration consists of a C to A substitution 4 nucleotides after exon 41 (coding exon 40) of the VPS13B gene. Based on data from gnomAD, the A allele has an overall frequency of 0.002% (5/282700) total alleles studied. The highest observed frequency was 0.02% (5/24968) of African alleles. Based on insufficient or conflicting evidence, the clinical significance of this alteration remains unclear.

Labcorp Genetics (formerly Invitae), Labcorp
Classification: Uncertain significance for Cohen syndrome. Last evaluated: 2024-06-13. Review status: criteria provided, single submitter. Criteria: Invitae Variant Classification Sherloc (09022015). Collection method: clinical testing. Allele origin: germline.
Comment: This sequence change falls in intron 41 of the VPS13B gene. It does not directly change the encoded amino acid sequence of the VPS13B protein. It affects a nucleotide within the consensus splice site. This variant is present in population databases (rs757079639, gnomAD 0.02%). This variant has not been reported in the literature in individuals affected with VPS13B-related conditions. ClinVar contains an entry for this variant (Variation ID: 1035361). Variants that disrupt the consensus splice site are a relatively common cause of aberrant splicing (PMID: 17576681, 9536098). Algorithms developed to predict the effect of sequence changes on RNA splicing suggest that this variant is not likely to affect RNA splicing. In summary, the available evidence is currently insufficient to determine the role of this variant in disease. Therefore, it has been classified as a Variant of Uncertain Significance.

Natera, Inc.
Classification: Uncertain significance for Cohen syndrome. Last evaluated: 2020-11-02. Review status: no assertion criteria provided. Collection method: clinical testing. Allele origin: germline. Not counted in ClinVar's aggregate classification.

Literature cited by the submitters: PubMed 17576681 (cited by Labcorp Genetics (formerly Invitae), Labcorp); PubMed 9536098 (cited by Labcorp Genetics (formerly Invitae), Labcorp).